The following is an entry in ClinVar:

ClinVar aggregate classification (germline): Benign/Likely benign. Review status: criteria provided, multiple submitters, no conflicts (2 of 4 stars). 2 submissions from 2 submitters: Benign (1); Likely benign (1). Last evaluated 2024-10-04.

Conditions:
L1CAM-related disorder. Also called: L1CAM-related condition.
Spastic paraplegia. Identifiers: MedGen C0037772, HP:0001258.

Allele frequency attached by ClinVar (database versions not stated): gnomAD exomes 0.00002; TOPMed 0.00002; ExAC 0.00001; gnomAD 0.00001.
gnomAD v4.1: 23 of 1,209,314 alleles (0.0019%); highest among the groups gnomAD compares: Non-Finnish European, 0.0021%; no homozygotes.

Submissions (2):

PreventionGenetics, part of Exact Sciences
Classification: Likely benign for L1CAM-related condition. Last evaluated: 2024-10-04. Review status: criteria provided, single submitter. Criteria: ACMG Guidelines, 2015. Collection method: clinical testing. Allele origin: germline.
Comment: This variant is classified as likely benign based on ACMG/AMP sequence variant interpretation guidelines (Richards et al. 2015 PMID: 25741868, with internal and published modifications).

Labcorp Genetics (formerly Invitae), Labcorp
Classification: Benign for Spastic paraplegia. Last evaluated: 2023-06-23. Review status: criteria provided, single submitter. Criteria: Invitae Variant Classification Sherloc (09022015). Collection method: clinical testing. Allele origin: germline.

NM_001278116.2(L1CAM):c.3530+5G>A

Gene: L1CAM (L1 cell adhesion molecule; minus strand). Cytogenetic location: Xq28.
Variant type: single nucleotide variant.
Coding change: c.3530+5G>A on transcript NM_001278116.2 (MANE Select); 5 bases into the intron after coding-DNA position 3530, G replaced by A.
Molecular consequence: intron variant.
Genome position (GRCh38, 1-based): chrX:153,863,472, C>T on the plus strand (G>A on the coding strand, the complement: L1CAM is on the minus strand). VCF-style: chrX-153863472-C-T. GRCh37 (hg19) VCF-style: chrX-153128927-C-T.
Other names: c.3515+5G>A (NM_001143963.2); c.3530+5G>A (NM_024003.3, NM_000425.5, NM_000425.4).
Identifiers: ClinVar variation 2173096 (VCV002173096.5), dbSNP rs782744361, ClinGen allele CA10553939.